The following is an entry in ClinVar:

ClinVar aggregate classification (germline): Pathogenic (1 of 4 stars; one submission).

Conditions:
Methylmalonic acidemia due to methylmalonyl-CoA epimerase deficiency. Also called: METHYLMALONYL-CoA RACEMASE DEFICIENCY; METHYLMALONIC ACIDURIA III; Methylmalonyl-CoA Epimerase Deficiency. Identifiers: Orphanet 308425, MedGen C1855100, MONDO:0009615, OMIM 251120.

Submission:

Labcorp Genetics (formerly Invitae), Labcorp
Classification: Pathogenic for Methylmalonic acidemia due to methylmalonyl-CoA epimerase deficiency. Last evaluated: 2024-03-07. Review status: criteria provided, single submitter. Criteria: Invitae Variant Classification Sherloc (09022015). Collection method: clinical testing. Allele origin: germline.
Comment: This sequence change inserts a large fragment of DNA, likely a transposable element, in exon 2 of the MCEE gene (c.208_209ins?), causing a frameshift at codon 70 (p.Gly70fs). The exact size and sequence of the insertion cannot be determined by the current assay. However, the insertion is expected to result in an absent or disrupted protein product. This variant is not present in population databases (gnomAD no frequency). This variant has not been reported in the literature in individuals affected with MCEE-related conditions. Retrotransposon insertions including LINE1 (L1), Alu, and SVA (SINE-VNTR-Alu) have been reported to be disease-causing through disruption of either a coding region or splice site (PMID: 19763152, 20307669, 22406018) and loss-of-function variants in MCEE are known to be pathogenic (PMID: 16697227, 16752391, 30682498). For these reasons, this variant has been classified as Pathogenic.

Literature cited by the submitters: PubMed 19763152; PubMed 20307669; PubMed 22406018; PubMed 16697227; PubMed 16752391; PubMed 30682498.

NM_032601.4(MCEE):c.208_209insCCGGGCGCGGTGGCTCACGCCTGTAATCCCAGCACTTTGGGAGGCCGAGGCGGGCGGATCACGAGGTCAGGNNNNNNNNNNAAAAAAAAAAAAAAAAAAAAAAGAATATTCTGG (p.Gly70delinsAlaGlyArgGlyGlySerArgLeuTer)

Gene: MCEE (methylmalonyl-CoA epimerase; minus strand). Cytogenetic location: 2p13.3.
Variant type: Insertion.
Coding change: c.208_209insCCGGGCGCGGTGGCTCACGCCTGTAATCCCAGCACTTTGGGAGGCCGAGGCGGGCGGATCACGAGGTCAGGNNNNNNNNNNAAAAAAAAAAAAAAAAAAAAAAGAATATTCTGG on transcript NM_032601.4 (MANE Select); coding-DNA positions 208 to 209, CCGGGCGCGGTGGCTCACGCCTGTAATCCCAGCACTTTGGGAGGCCGAGGCGGGCGGATCACGAGGTCAGGNNNNNNNNNNAAAAAAAAAAAAAAAAAAAAAAGAATATTCTGG inserted.
Protein change: p.Gly70delinsAlaGlyArgGlyGlySerArgLeuTer.
Molecular consequence: nonsense.
Genome position: GRCh38: chr2:71,124,388-71,124,389. GRCh37 (hg19): chr2:71,351,518-71,351,519.
Identifiers: ClinVar variation 3645072 (VCV003645072.2).